The following is an entry in ClinVar:

NM_001371928.1(AHDC1):c.938C>G (p.Ala313Gly)

Gene: AHDC1 (AT-hook DNA binding motif containing 1; minus strand). Cytogenetic location: 1p36.11.
Variant type: single nucleotide variant.
Coding change: c.938C>G on transcript NM_001371928.1 (MANE Select); coding-DNA position 938, C replaced by G.
Protein change: p.Ala313Gly; replaces alanine 313 with glycine.
Molecular consequence: missense variant.
Genome position (GRCh38, 1-based): chr1:27,551,178, G>C on the plus strand (C>G on the coding strand, the complement: AHDC1 is on the minus strand). VCF-style: chr1-27551178-G-C. GRCh37 (hg19) VCF-style: chr1-27877689-G-C.
Other names: c.938C>G, p.Ala313Gly (NM_001029882.3); short protein forms A313G.
Identifiers: ClinVar variation 2579799 (VCV002579799.1), dbSNP rs2522055906, ClinGen allele CA339235707.

ClinVar aggregate classification (germline): Uncertain significance (1 of 4 stars; one submission).

Allele frequency attached by ClinVar (database versions not stated): gnomAD exomes below 0.00001.
gnomAD v4.1: 3 of 1,609,488 alleles (0.00019%); highest among the groups gnomAD compares: Non-Finnish European, 0.00017%; no homozygotes.

Submission:

GeneDx
Classification: Uncertain significance. Last evaluated: 2023-03-13. Review status: criteria provided, single submitter. Criteria: GeneDx Variant Classification Process June 2021. Collection method: clinical testing. Allele origin: germline. Affected: yes.
Comment: Not observed at significant frequency in large population cohorts (gnomAD); In silico analysis supports that this missense variant does not alter protein structure/function; Has not been previously published as pathogenic or benign to our knowledge